The following is an entry in ClinVar:

ClinVar aggregate classification (germline): Uncertain significance (1 of 4 stars; one submission).

Conditions:
Deafness-lymphedema-leukemia syndrome. Also called: Lymphedema, primary, with myelodysplasia; Emberger syndrome. Identifiers: Orphanet 3226, MedGen C3279664, MONDO:0013540, OMIM 614038.
Monocytopenia with susceptibility to infections. Also called: IMMUNODEFICIENCY 21; Dendritic cell, monocyte, B lymphocyte, and natural killer lymphocyte deficiency; MONOCYTOPENIA AND MYCOBACTERIAL INFECTION SYNDROME; MONOCYTOPENIA WITH SUSCEPTIBILITY TO MYCOBACTERIAL, FUNGAL, AND PAPILLOMAVIRUS INFECTIONS AND MYELODYSPLASIA; COMBINED IMMUNODEFICIENCY WITH SUSCEPTIBILITY TO MYCOBACTERIAL, VIRAL, AND FUNGAL INFECTIONS; GATA2 DEFICIENCY. Identifiers: Orphanet 228423, MedGen C3280030, MONDO:0013607, OMIM 614172.

Submission:

Labcorp Genetics (formerly Invitae), Labcorp
Classification: Uncertain significance for Monocytopenia with susceptibility to infections; Deafness-lymphedema-leukemia syndrome. Last evaluated: 2020-10-28. Review status: criteria provided, single submitter. Criteria: Invitae Variant Classification Sherloc (09022015). Collection method: clinical testing. Allele origin: germline.
Comment: Advanced modeling of protein sequence and biophysical properties (such as structural, functional, and spatial information, amino acid conservation, physicochemical variation, residue mobility, and thermodynamic stability) performed at Invitae indicates that this missense variant is not expected to disrupt GATA2 protein function. This variant has not been reported in the literature in individuals with GATA2-related conditions. This variant is not present in population databases (ExAC no frequency). This sequence change replaces alanine with threonine at codon 12 of the GATA2 protein (p.Ala12Thr). The alanine residue is moderately conserved and there is a small physicochemical difference between alanine and threonine. In summary, the available evidence is currently insufficient to determine the role of this variant in disease. Therefore, it has been classified as a Variant of Uncertain Significance.

NM_032638.5(GATA2):c.34G>A (p.Ala12Thr)

Gene: GATA2 (GATA binding protein 2; minus strand). Cytogenetic location: 3q21.3.
Variant type: single nucleotide variant.
Coding change: c.34G>A on transcript NM_032638.5 (MANE Select); coding-DNA position 34, G replaced by A.
Protein change: p.Ala12Thr; replaces alanine 12 with threonine.
Molecular consequence: missense variant.
Genome position (GRCh38, 1-based): chr3:128,486,998, C>T on the plus strand (G>A on the coding strand, the complement: GATA2 is on the minus strand). VCF-style: chr3-128486998-C-T. GRCh37 (hg19) VCF-style: chr3-128205841-C-T.
Other names: c.34G>A, p.Ala12Thr (NM_001145661.2, NM_001145662.1); short protein forms A12T.
Identifiers: ClinVar variation 1347014 (VCV001347014.8), dbSNP rs2107673742, ClinGen allele CA354409210.
Genomic context (GRCh38, chr3:128,486,998, plus strand): 5'-TGTGCGCCAGGCCCGGGTGGTGTGAGTCGGGGTGCTGCGCATTCAGCACGGCCGGGTGCG[C>T]CATCCAGCGCGGCTGCTCGGGCGCCACCTCCATGGCCGGCGGCGGCGGCTCAGGGTCTGG-3'
Protein context (NP_116027.2, residues 2-22): EVAPEQPRWM[Ala12Thr]HPAVLNAQHP